The following is an entry in ClinVar:

ClinVar aggregate classification (germline): Likely benign. Review status: criteria provided, multiple submitters, no conflicts (2 of 4 stars). 3 submissions from 3 submitters: Likely benign (3). Last evaluated 2025-09-22.

Conditions:
Mosaic variegated aneuploidy syndrome 2 (MVA2). Identifiers: Orphanet 1052, MedGen C3279843, MONDO:0013582, OMIM 614114.

Allele frequency attached by ClinVar (database versions not stated): gnomAD exomes 0.00001; ExAC 0.00002; gnomAD 0.00003.

Submissions (3):

Labcorp Genetics (formerly Invitae), Labcorp
Classification: Likely benign for Mosaic variegated aneuploidy syndrome 2. Last evaluated: 2025-09-22. Review status: criteria provided, single submitter. Criteria: Invitae Variant Classification Sherloc (09022015). Collection method: clinical testing. Allele origin: germline.

CeGaT Center for Human Genetics Tuebingen
Classification: Likely benign. Last evaluated: 2023-12-01. Review status: criteria provided, single submitter. Criteria: CeGaT Center For Human Genetics Tuebingen Variant Classification Criteria Version 2. Collection method: clinical testing. Allele origin: germline. Affected: yes. Observed: 1 variant allele.
Comment: CEP57: BP4, BP7

Blueprint Genetics
Classification: Likely benign. Last evaluated: 2022-01-03. Review status: criteria provided, single submitter. Criteria: ACMG Guidelines, 2015. Collection method: clinical testing. Allele origin: germline.

NM_014679.5(CEP57):c.511C>T (p.Leu171=)

Gene: CEP57 (centrosomal protein 57; plus strand). Cytogenetic location: 11q21.
Variant type: single nucleotide variant.
Coding change: c.511C>T on transcript NM_014679.5 (MANE Select); coding-DNA position 511, C replaced by T.
Protein change: p.Leu171=; no amino-acid change (leucine 171 retained).
Molecular consequence: synonymous variant.
Genome position (GRCh38, 1-based): chr11:95,817,793, C>T. VCF-style: chr11-95817793-C-T. GRCh37 (hg19) VCF-style: chr11-95550957-C-T.
Other names: c.484C>T, p.Leu162= (NM_001243776.2); c.511C>T, p.Leu171= (NM_001243777.2); c.430C>T, p.Leu144= (NM_001363604.2).
Identifiers: ClinVar variation 3026336 (VCV003026336.24), dbSNP rs745982540, ClinGen allele CA6239513.